The following is an entry in ClinVar:

NM_000535.7(PMS2):c.2233A>G (p.Ile745Val)

Gene: PMS2 (PMS1 homolog 2, mismatch repair system component; minus strand). Cytogenetic location: 7p22.1.
Variant type: single nucleotide variant.
Coding change: c.2233A>G on transcript NM_000535.7 (MANE Select); coding-DNA position 2233, A replaced by G.
Protein change: p.Ile745Val; replaces isoleucine 745 with valine.
Molecular consequence: missense variant. On other transcripts: non-coding transcript variant (1).
Genome position (GRCh38, 1-based): chr7:5,978,638, T>C on the plus strand (A>G on the coding strand, the complement: PMS2 is on the minus strand). VCF-style: chr7-5978638-T-C. GRCh37 (hg19) VCF-style: chr7-6018269-T-C.
Other names: c.1828A>G, p.Ile610Val (NM_001322003.2, NM_001322004.2, NM_001322005.2 and 1 more transcripts); c.2077A>G, p.Ile693Val (NM_001322006.2); c.1915A>G, p.Ile639Val (NM_001322007.2, NM_001322008.2); c.1672A>G, p.Ile558Val (NM_001322010.2); c.1300A>G, p.Ile434Val (NM_001322011.2, NM_001322012.2); c.1660A>G, p.Ile554Val (NM_001322013.2); c.2233A>G, p.Ile745Val (NM_001322014.2); c.1924A>G, p.Ile642Val (NM_001322015.2); short protein forms I639V, I642V, I434V, I610V, I554V, I693V, I558V, I745V.
Identifiers: ClinVar variation 972286 (VCV000972286.12), dbSNP rs1562605133, ClinGen allele CA366736672.

ClinVar aggregate classification (germline): Uncertain significance. Review status: criteria provided, multiple submitters, no conflicts (2 of 4 stars). 2 submissions from 2 submitters: Uncertain significance (2). Last evaluated 2024-04-25.

Conditions:
Hereditary nonpolyposis colorectal neoplasms. Identifiers: MedGen C0009405, MeSH D003123.
Hereditary cancer-predisposing syndrome. Also called: Hereditary Cancer Syndrome; Hereditary neoplastic syndrome; Tumor predisposition; Neoplastic Syndromes, Hereditary. Identifiers: Orphanet 140162, MedGen C0027672, MeSH D009386, MONDO:0015356.

Submissions (2):

Ambry Genetics
Classification: Uncertain significance for Hereditary cancer-predisposing syndrome. Last evaluated: 2024-04-25. Review status: criteria provided, single submitter. Criteria: Ambry Variant Classification Scheme 2023. Collection method: clinical testing. Allele origin: germline.
Comment: The p.I745V variant (also known as c.2233A>G), located in coding exon 13 of the PMS2 gene, results from an A to G substitution at nucleotide position 2233. The isoleucine at codon 745 is replaced by valine, an amino acid with highly similar properties. This amino acid position is conserved. In addition, this alteration is predicted to be tolerated by in silico analysis. Since supporting evidence is limited at this time, the clinical significance of this alteration remains unclear.

Labcorp Genetics (formerly Invitae), Labcorp
Classification: Uncertain significance for Hereditary nonpolyposis colorectal neoplasms. Last evaluated: 2021-02-26. Review status: criteria provided, single submitter. Criteria: Invitae Variant Classification Sherloc (09022015). Collection method: clinical testing. Allele origin: germline.
Comment: This sequence change replaces isoleucine with valine at codon 745 of the PMS2 protein (p.Ile745Val). The isoleucine residue is highly conserved and there is a small physicochemical difference between isoleucine and valine. This variant has not been reported in the literature in individuals with PMS2-related conditions. ClinVar contains an entry for this variant (Variation ID: 972286). Algorithms developed to predict the effect of missense changes on protein structure and function (SIFT, PolyPhen-2, Align-GVGD) all suggest that this variant is likely to be disruptive, but these predictions have not been confirmed by published functional studies and their clinical significance is uncertain. Algorithms developed to predict the effect of sequence changes on RNA splicing suggest that this variant may create or strengthen a splice site, but this prediction has not been confirmed by published transcriptional studies. In summary, the available evidence is currently insufficient to determine the role of this variant in disease. Therefore, it has been classified as a Variant of Uncertain Significance.